The following is an entry in ClinVar:

ClinVar aggregate classification (germline): Conflicting classifications of pathogenicity. Review status: criteria provided, conflicting classifications (1 of 4 stars). 3 submissions from 3 submitters: Uncertain significance (2); Likely benign (1). Last evaluated 2025-02-17.

Conditions:
EPHB4-related disorder. Also called: EPHB4-related disorders; EPHB4-related condition.
Cardiovascular phenotype. Identifiers: MedGen CN230736.

Allele frequency attached by ClinVar (database versions not stated): TOPMed below 0.00001; ExAC 0.00001; gnomAD 0.00001; gnomAD exomes 0.00004.
gnomAD v4.1: 52 of 1,613,534 alleles (0.0032%); highest among the groups gnomAD compares: Non-Finnish European, 0.0044%; no homozygotes.

Submissions (3):

PreventionGenetics, part of Exact Sciences
Classification: Uncertain significance for EPHB4-related condition. Last evaluated: 2025-02-17. Review status: criteria provided, single submitter. Criteria: ACMG Guidelines, 2015. Collection method: clinical testing. Allele origin: germline.
Comment: The EPHB4 c.323A>G variant is predicted to result in the amino acid substitution p.Lys108Arg. To our knowledge, this variant has not been reported in the literature. This variant is reported in 0.0039% of alleles in individuals of European (Non-Finnish) descent in gnomAD. At this time, the clinical significance of this variant is uncertain due to the absence of conclusive functional and genetic evidence.

Blueprint Genetics
Classification: Uncertain significance. Last evaluated: 2022-12-13. Review status: criteria provided, single submitter. Criteria: ACMG Guidelines, 2015. Collection method: clinical testing. Allele origin: germline.

Ambry Genetics
Classification: Likely benign for Cardiovascular phenotype. Last evaluated: 2021-12-23. Review status: criteria provided, single submitter. Criteria: Ambry Variant Classification Scheme 2023. Collection method: clinical testing. Allele origin: germline.

NM_004444.5(EPHB4):c.323A>G (p.Lys108Arg)

Gene: EPHB4 (EPH receptor B4; minus strand). Cytogenetic location: 7q22.1.
Variant type: single nucleotide variant.
Coding change: c.323A>G on transcript NM_004444.5 (MANE Select); coding-DNA position 323, A replaced by G.
Protein change: p.Lys108Arg; replaces lysine 108 with arginine.
Molecular consequence: missense variant.
Genome position (GRCh38, 1-based): chr7:100,823,732, T>C on the plus strand (A>G on the coding strand, the complement: EPHB4 is on the minus strand). VCF-style: chr7-100823732-T-C. GRCh37 (hg19) VCF-style: chr7-100421354-T-C.
Other names: short protein forms K108R.
Identifiers: ClinVar variation 1729272 (VCV001729272.5), dbSNP rs780180360, ClinGen allele CA4393341.